The following is an entry in ClinVar:

NM_015338.6(ASXL1):c.2413C>A (p.Pro805Thr)

Gene: ASXL1 (ASXL transcriptional regulator 1; plus strand). Cytogenetic location: 20q11.21.
Variant type: single nucleotide variant.
Coding change: c.2413C>A on transcript NM_015338.6 (MANE Select); coding-DNA position 2413, C replaced by A.
Protein change: p.Pro805Thr; replaces proline 805 with threonine.
Molecular consequence: missense variant.
Genome position (GRCh38, 1-based): chr20:32,435,125, C>A. VCF-style: chr20-32435125-C-A. GRCh37 (hg19) VCF-style: chr20-31022928-C-A.
Other names: c.2230C>A, p.Pro744Thr (NM_001363734.1); short protein forms P744T, P805T.
Identifiers: ClinVar variation 3440077 (VCV003440077.4).
Genomic context (GRCh38, chr20:32,435,125, plus strand): 5'-GTTAGAACTGAATGTGAGTCTGGCACCACTTCCTGGGAAAGTGATGATGAGGAGCAAGGA[C>A]CCACCGTTCCTGCAGACAATGGTCCCATTCCGTCTCTAGTGGGAGATGATACATTAGAGA-3'
Protein context (NP_056153.2, residues 795-815): SWESDDEEQG[Pro805Thr]TVPADNGPIP

ClinVar aggregate classification (germline): Conflicting classifications of pathogenicity. Review status: criteria provided, conflicting classifications (1 of 4 stars). 2 submissions from 2 submitters: Uncertain significance (1); Likely benign (1). Last evaluated 2025-03-27.

Conditions:
Inborn genetic diseases. Identifiers: MedGen C0950123, MeSH D030342.

gnomAD v4.1: 2 of 1,613,778 alleles (0.00012%); highest among the groups gnomAD compares: African/African-American, 0.0027%; no homozygotes.

Submissions (2):

Labcorp Genetics (formerly Invitae), Labcorp
Classification: Uncertain significance. Last evaluated: 2025-03-27. Review status: criteria provided, single submitter. Criteria: Invitae Variant Classification Sherloc (09022015). Collection method: clinical testing. Allele origin: germline.
Comment: This sequence change replaces proline, which is neutral and non-polar, with threonine, which is neutral and polar, at codon 805 of the ASXL1 protein (p.Pro805Thr). This variant is present in population databases (rs370929899, gnomAD 0.01%). This variant has not been reported in the literature in individuals affected with ASXL1-related conditions. ClinVar contains an entry for this variant (Variation ID: 3440077). An algorithm developed to predict the effect of missense changes on protein structure and function (PolyPhen-2) suggests that this variant is likely to be tolerated. In summary, the available evidence is currently insufficient to determine the role of this variant in disease. Therefore, it has been classified as a Variant of Uncertain Significance.

Ambry Genetics
Classification: Likely benign for Inborn genetic diseases. Last evaluated: 2025-02-20. Review status: criteria provided, single submitter. Criteria: Ambry Variant Classification Scheme 2023. Collection method: clinical testing. Allele origin: germline.